The following is an entry in ClinVar:

ClinVar aggregate classification (germline): Likely benign. Review status: criteria provided, multiple submitters, no conflicts (2 of 4 stars). 3 submissions from 3 submitters: Likely benign (2). 1 of the submissions does not count toward it. Last evaluated 2024-11-23.

Conditions:
SPEN-related disorder. Also called: SPEN-related condition.

Allele frequency attached by ClinVar (database versions not stated): ExAC 0.00062; gnomAD 0.00092; TOPMed 0.00102; ESP Exome Variant Server 0.00131; gnomAD exomes 0.00180.
gnomAD v4.1: 2,764 of 1,613,938 alleles (0.17%); highest among the groups gnomAD compares: Non-Finnish European, 0.22%; 7 homozygotes.

Submissions (3):

Blueprint Genetics
Classification: Likely benign. Last evaluated: 2024-11-23. Review status: criteria provided, single submitter. Criteria: ACMG Guidelines, 2015. Collection method: clinical testing. Allele origin: germline.

CeGaT Center for Human Genetics Tuebingen
Classification: Likely benign. Last evaluated: 2024-05-01. Review status: criteria provided, single submitter. Criteria: CeGaT Center For Human Genetics Tuebingen Variant Classification Criteria Version 2. Collection method: clinical testing. Allele origin: germline. Affected: yes. Observed: 5 variant alleles.
Comment: SPEN: BP4, BS1

PreventionGenetics, part of Exact Sciences
Classification: Likely benign for SPEN-related condition. Last evaluated: 2019-02-26. Review status: no assertion criteria provided. Collection method: clinical testing. Allele origin: germline. Not counted in ClinVar's aggregate classification.
Comment: This variant is classified as likely benign based on ACMG/AMP sequence variant interpretation guidelines (Richards et al. 2015 PMID: 25741868, with internal and published modifications).

NM_015001.3(SPEN):c.3480C>T (p.Gly1160=)

Gene: SPEN (spen family transcriptional repressor; plus strand). Cytogenetic location: 1p36.13.
Variant type: single nucleotide variant.
Coding change: c.3480C>T on transcript NM_015001.3 (MANE Select); coding-DNA position 3480, C replaced by T.
Protein change: p.Gly1160=; no amino-acid change (glycine 1160 retained).
Molecular consequence: synonymous variant.
Genome position (GRCh38, 1-based): chr1:15,929,720, C>T. VCF-style: chr1-15929720-C-T. GRCh37 (hg19) VCF-style: chr1-16256215-C-T.
Other names: c.3480C>T (NM_015001.2).
Identifiers: ClinVar variation 2638313 (VCV002638313.26), dbSNP rs148562896, ClinGen allele CA619441.